The following is an entry in ClinVar:

ClinVar aggregate classification (germline): Uncertain significance. Review status: criteria provided, multiple submitters, no conflicts (2 of 4 stars). 3 submissions from 3 submitters: Uncertain significance (3). Last evaluated 2024-12-13.

Conditions:
OTOG-related disorder. Also called: OTOG-related condition.

Allele frequency attached by ClinVar (database versions not stated): gnomAD exomes 0.00003 and 0.00006; gnomAD 0.00005 and 0.00002; 1000 Genomes Project 0.00020; 1000 Genomes Project 30x 0.00031; TOPMed 0.00002.
gnomAD v4.1: 54 of 1,550,234 alleles (0.0035%); highest among the groups gnomAD compares: East Asian, 0.13%; no homozygotes.

Submissions (3):

PreventionGenetics, part of Exact Sciences
Classification: Uncertain significance for OTOG-related condition. Last evaluated: 2024-12-13. Review status: criteria provided, single submitter. Criteria: ACMG Guidelines, 2015. Collection method: clinical testing. Allele origin: germline.
Comment: The OTOG c.2438A>G variant is predicted to result in the amino acid substitution p.Asp813Gly. This variant was reported together with second OTOG variant in an individual with Hearing loss (Supplement, Ma et al. 2023. PubMed ID: 36597107). This variant is reported in 0.089% of alleles in individuals of East Asian descent in gnomAD. Although we suspect that this variant may be benign, at this time, the clinical significance of this variant is uncertain due to the absence of conclusive functional and genetic evidence.

GeneDx
Classification: Uncertain significance. Last evaluated: 2024-12-12. Review status: criteria provided, single submitter. Criteria: GeneDx Variant Classification Process June 2021. Collection method: clinical testing. Allele origin: germline. Affected: yes.
Comment: Reported with a second variant (phase unknown) in a patient with hearing loss in published literature (PMID: 36597107); In silico analysis indicates that this missense variant does not alter protein structure/function; This variant is associated with the following publications: (PMID: 36597107)

Labcorp Genetics (formerly Invitae), Labcorp
Classification: Uncertain significance. Last evaluated: 2021-10-13. Review status: criteria provided, single submitter. Criteria: Invitae Variant Classification Sherloc (09022015). Collection method: clinical testing. Allele origin: germline.
Comment: The frequency data for this variant in the population databases is considered unreliable, as metrics indicate insufficient coverage at this position in the ExAC database. This sequence change replaces aspartic acid with glycine at codon 813 of the OTOG protein (p.Asp813Gly). The aspartic acid residue is moderately conserved and there is a moderate physicochemical difference between aspartic acid and glycine. This variant has not been reported in the literature in individuals affected with OTOG-related conditions. In summary, the available evidence is currently insufficient to determine the role of this variant in disease. Therefore, it has been classified as a Variant of Uncertain Significance. Algorithms developed to predict the effect of missense changes on protein structure and function (SIFT, PolyPhen-2, Align-GVGD) all suggest that this variant is likely to be tolerated.

NM_001292063.2(OTOG):c.2402A>G (p.Asp801Gly)

Gene: OTOG (otogelin; plus strand). Cytogenetic location: 11p15.1.
Variant type: single nucleotide variant.
Coding change: c.2402A>G on transcript NM_001292063.2 (MANE Select); coding-DNA position 2402, A replaced by G.
Protein change: p.Asp801Gly; replaces aspartic acid 801 with glycine.
Molecular consequence: missense variant.
Genome position (GRCh38, 1-based): chr11:17,574,828, A>G. VCF-style: chr11-17574828-A-G. GRCh37 (hg19) VCF-style: chr11-17596375-A-G.
Other names: c.2438A>G (NM_001277269.1); c.2438A>G, p.Asp813Gly (NM_001277269.2); short protein forms D801G, D813G.
Identifiers: ClinVar variation 1412105 (VCV001412105.8), dbSNP rs185940730, ClinGen allele CA218452489.